The following is an entry in ClinVar:

NM_000090.4(COL3A1):c.773G>C (p.Gly258Ala)

Gene: COL3A1 (collagen type III alpha 1 chain; plus strand). Cytogenetic location: 2q32.2.
Variant type: single nucleotide variant.
Coding change: c.773G>C on transcript NM_000090.4 (MANE Select); coding-DNA position 773, G replaced by C.
Protein change: p.Gly258Ala; replaces glycine 258 with alanine.
Molecular consequence: missense variant.
Genome position (GRCh38, 1-based): chr2:188,990,335, G>C. VCF-style: chr2-188990335-G-C. GRCh37 (hg19) VCF-style: chr2-189855061-G-C.
Other names: short protein forms G258A.
Identifiers: ClinVar variation 625114 (VCV000625114.4), dbSNP rs1559054653, ClinGen allele CA349849200.

ClinVar aggregate classification (germline): Pathogenic/Likely pathogenic. Review status: criteria provided, multiple submitters, no conflicts (2 of 4 stars). 2 submissions from 2 submitters: Pathogenic (1); Likely pathogenic (1). Last evaluated 2021-11-03.

Conditions:
Ehlers-Danlos syndrome, type 4 (EDSVASC). Also called: Ehlers-Danlos syndrome vascular type; Ehlers Danlos syndrome, ecchymotic type; Ehlers Danlos syndrome, arterial type; Ehlers Danlos syndrome, Sack-Barabas type; Ehlers-Danlos Syndrome Type IV. Identifiers: Orphanet 286, MedGen C0268338, MONDO:0017314, OMIM 130050.

Submissions (2):

Institute for Clinical Genetics, University Hospital TU Dresden, University Hospital TU Dresden
Classification: Pathogenic. Last evaluated: 2021-11-03. Review status: criteria provided, single submitter. Criteria: ACMG Guidelines, 2015. Collection method: clinical testing. Allele origin: germline.

Institute of Human Genetics, University Medical Center Hamburg-Eppendorf
Classification: Likely pathogenic for Ehlers-Danlos syndrome, type 4. Last evaluated: 2018-11-20. Review status: criteria provided, single submitter. Criteria: ACMG Guidelines, 2015. Collection method: clinical testing. Allele origin: unknown. Inheritance: Autosomal dominant inheritance. Affected: yes.
Comment: Variants affects a glycine residue of a conserved [Gly-X-Y] collagen triple helix motif.

Literature cited by the submitters: PubMed 30675029 (cited by Institute of Human Genetics, University Medical Center Hamburg-Eppendorf); PubMed 25758994 (cited by Institute of Human Genetics, University Medical Center Hamburg-Eppendorf); PubMed 24922459 (cited by Institute of Human Genetics, University Medical Center Hamburg-Eppendorf).